The following is an entry in ClinVar:

NM_020937.4(FANCM):c.6102G>A (p.Met2034Ile)

Gene: FANCM (FA complementation group M; plus strand). Cytogenetic location: 14q21.2.
Variant type: single nucleotide variant.
Coding change: c.6102G>A on transcript NM_020937.4 (MANE Select); coding-DNA position 6102, G replaced by A.
Protein change: p.Met2034Ile; replaces methionine 2034 with isoleucine.
Molecular consequence: missense variant.
Genome position (GRCh38, 1-based): chr14:45,199,963, G>A. VCF-style: chr14-45199963-G-A. GRCh37 (hg19) VCF-style: chr14-45669166-G-A.
Other names: c.6024G>A, p.Met2008Ile (NM_001308133.2); short protein forms M2034I, M2008I.
Identifiers: ClinVar variation 933698 (VCV000933698.9), dbSNP rs1890272153, ClinGen allele CA389588409.
Genomic context (GRCh38, chr14:45,199,963, plus strand): 5'-AACTCATCAGAAGGCTGAGGAGATCTATAGATATATTCACTATGTATTTGACATACAAAT[G>A]TTACCAAATGATCTTAACCAAGATAGACTGAAATCTGATATATAATCAAGCTGCTCAAGA-3'
Protein context (NP_065988.1, residues 2024-2044): RYIHYVFDIQ[Met2034Ile]LPNDLNQDRL

ClinVar aggregate classification (germline): Uncertain significance (1 of 4 stars; one submission).

Conditions:
Fanconi anemia (FA). Also called: Fanconi's anemia. Identifiers: Orphanet 84, MedGen C0015625, MeSH D005199, MONDO:0019391.

Allele frequency attached by ClinVar (database versions not stated): gnomAD exomes below 0.00001; TOPMed below 0.00001.
gnomAD v4.1: 4 of 1,607,454 alleles (0.00025%); highest among the groups gnomAD compares: Non-Finnish European, 0.00034%; no homozygotes.

Submission:

Labcorp Genetics (formerly Invitae), Labcorp
Classification: Uncertain significance for Fanconi anemia. Last evaluated: 2021-07-17. Review status: criteria provided, single submitter. Criteria: Invitae Variant Classification Sherloc (09022015). Collection method: clinical testing. Allele origin: germline.
Comment: Algorithms developed to predict the effect of missense changes on protein structure and function (SIFT, PolyPhen-2, Align-GVGD) all suggest that this variant is likely to be tolerated, but these predictions have not been confirmed by published functional studies and their clinical significance is uncertain. This variant has not been reported in the literature in individuals with FANCM-related conditions. This variant is not present in population databases (ExAC no frequency). This sequence change replaces methionine with isoleucine at codon 2034 of the FANCM protein (p.Met2034Ile). The methionine residue is moderately conserved and there is a small physicochemical difference between methionine and isoleucine. In summary, the available evidence is currently insufficient to determine the role of this variant in disease. Therefore, it has been classified as a Variant of Uncertain Significance.